The following is an entry in ClinVar:

NM_022124.6(CDH23):c.8G>A (p.Arg3His)

Gene: CDH23 (cadherin related 23; plus strand). Cytogenetic location: 10q22.1.
Variant type: single nucleotide variant.
Coding change: c.8G>A on transcript NM_022124.6 (MANE Select); coding-DNA position 8, G replaced by A.
Protein change: p.Arg3His; replaces arginine 3 with histidine.
Molecular consequence: missense variant.
Genome position (GRCh38, 1-based): chr10:71,439,839, G>A. VCF-style: chr10-71439839-G-A. GRCh37 (hg19) VCF-style: chr10-73199596-G-A.
Other names: c.8G>A, p.Arg3His (NM_001171930.2, NM_001171931.2, NM_001171932.2 and 1 more transcripts); short protein forms R3H.
Identifiers: ClinVar variation 46063 (VCV000046063.13), dbSNP rs397517363, ClinGen allele CA137621.

ClinVar aggregate classification (germline): Uncertain significance. Review status: criteria provided, multiple submitters, no conflicts (2 of 4 stars). 3 submissions from 3 submitters: Uncertain significance (2). 1 of the submissions does not count toward it. Last evaluated 2026-01-21.

Conditions:
Usher syndrome type 1 (USH1). Also called: RETINITIS PIGMENTOSA AND CONGENITAL DEAFNESS. Identifiers: Orphanet 231169, Orphanet 886, MedGen C1568247, MONDO:0010168, OMIM 276900.

Allele frequency attached by ClinVar (database versions not stated): gnomAD 0.00001; TOPMed 0.00001; ExAC 0.00012.
gnomAD v4.1: 45 of 1,566,166 alleles (0.0029%); highest among the groups gnomAD compares: Middle Eastern, 0.017%; no homozygotes.

Submissions (3):

Labcorp Genetics (formerly Invitae), Labcorp
Classification: Uncertain significance. Last evaluated: 2026-01-21. Review status: criteria provided, single submitter. Criteria: Invitae Variant Classification Sherloc (09022015). Collection method: clinical testing. Allele origin: germline.
Comment: This sequence change replaces arginine, which is basic and polar, with histidine, which is basic and polar, at codon 3 of the CDH23 protein (p.Arg3His). The frequency data for this variant in the population databases is considered unreliable, as metrics indicate poor data quality at this position in the gnomAD database. This variant has not been reported in the literature in individuals affected with CDH23-related conditions. ClinVar contains an entry for this variant (Variation ID: 46063). Invitae Evidence Modeling of protein sequence and biophysical properties (such as structural, functional, and spatial information, amino acid conservation, physicochemical variation, residue mobility, and thermodynamic stability) has been performed for this missense variant. However, the output from this modeling did not meet the statistical confidence thresholds required to predict the impact of this variant on CDH23 protein function. In summary, the available evidence is currently insufficient to determine the role of this variant in disease. Therefore, it has been classified as a Variant of Uncertain Significance.

Laboratory for Molecular Medicine, Mass General Brigham Personalized Medicine
Classification: Uncertain significance. Last evaluated: 2019-06-26. Review status: criteria provided, single submitter. Criteria: LMM Criteria. Collection method: clinical testing. Allele origin: germline. Observed: 2 variant alleles.
Comment: The p.Arg3His variant has been identified 0.02% (6/23796) of South Asian chromosomes by gnomAD. Computational prediction tools and conservation analysis suggest that this variant may not impact the protein, though this information is not predictive enough to rule out pathogenicity. In summary, the clinical significance of this variant is uncertain. ACMG/AMP Criteria applied: PM2_Supporting, PP3.

Natera, Inc.
Classification: Uncertain significance for Usher syndrome type 1. Last evaluated: 2019-10-28. Review status: no assertion criteria provided. Collection method: clinical testing. Allele origin: germline. Not counted in ClinVar's aggregate classification.